The following is an entry in ClinVar:

ClinVar aggregate classification (germline): Conflicting classifications of pathogenicity. Review status: criteria provided, conflicting classifications (1 of 4 stars). 3 submissions from 3 submitters: Uncertain significance (1); Likely benign (2). Last evaluated 2024-06-09.

Conditions:
Hereditary cancer-predisposing syndrome. Also called: Hereditary neoplastic syndrome; Tumor predisposition; Neoplastic Syndromes, Hereditary; Hereditary Cancer Syndrome. Identifiers: Orphanet 140162, MedGen C0027672, MeSH D009386, MONDO:0015356.
Tuberous sclerosis 2 (TSC2). Identifiers: Orphanet 805, MedGen C1860707, MONDO:0013199, OMIM 613254.

Submissions (3):

GeneDx
Classification: Uncertain significance. Last evaluated: 2024-06-09. Review status: criteria provided, single submitter. Criteria: GeneDx Variant Classification Process June 2021. Collection method: clinical testing. Allele origin: germline. Affected: yes.
Comment: Not observed at significant frequency in large population cohorts (gnomAD); In silico analysis indicates that this variant does not alter splicing; Has not been previously published as pathogenic or benign to our knowledge

Labcorp Genetics (formerly Invitae), Labcorp
Classification: Likely benign for Tuberous sclerosis 2. Last evaluated: 2022-08-16. Review status: criteria provided, single submitter. Criteria: Invitae Variant Classification Sherloc (09022015). Collection method: clinical testing. Allele origin: germline.

Ambry Genetics
Classification: Likely benign for Hereditary cancer-predisposing syndrome. Last evaluated: 2016-07-01. Review status: criteria provided, single submitter. Criteria: Ambry Variant Classification Scheme 2023. Collection method: clinical testing. Allele origin: germline.

NM_000548.5(TSC2):c.2958G>A (p.Val986=)

Gene: TSC2 (TSC complex subunit 2; plus strand). Cytogenetic location: 16p13.3.
Variant type: single nucleotide variant.
Coding change: c.2958G>A on transcript NM_000548.5 (MANE Select); coding-DNA position 2958, G replaced by A.
Protein change: p.Val986=; no amino-acid change (valine 986 retained).
Molecular consequence: synonymous variant. On other transcripts: intron variant (9).
Genome position (GRCh38, 1-based): chr16:2,077,718, G>A. VCF-style: chr16-2077718-G-A. GRCh37 (hg19) VCF-style: chr16-2127719-G-A.
Other names: c.2958G>A, p.Val986= (NM_001114382.3); c.2837+1133G>A (NM_021055.3, NM_001370405.1, NM_001363528.2 and 2 more transcripts); c.2726+1133G>A (NM_001318827.2); c.2237+1133G>A (NM_001318831.2); c.2690+1133G>A (NM_001318829.2); c.2870+1133G>A (NM_001318832.2).
Identifiers: ClinVar variation 427993 (VCV000427993.12), dbSNP rs1114167464, ClinGen allele CA492954984.